The following is an entry in ClinVar:

NM_000222.3(KIT):c.425A>C (p.Glu142Ala)

Gene: KIT (KIT proto-oncogene, receptor tyrosine kinase; plus strand). Cytogenetic location: 4q12.
Variant type: single nucleotide variant.
Coding change: c.425A>C on transcript NM_000222.3 (MANE Select); coding-DNA position 425, A replaced by C.
Protein change: p.Glu142Ala; replaces glutamic acid 142 with alanine.
Molecular consequence: missense variant.
Genome position (GRCh38, 1-based): chr4:54,698,371, A>C. VCF-style: chr4-54698371-A-C. GRCh37 (hg19) VCF-style: chr4-55564537-A-C.
Other names: c.425A>C, p.Glu142Ala (NM_001093772.2, NM_001385284.1, NM_001385285.1 and 4 more transcripts); short protein forms E142A.
Identifiers: ClinVar variation 458947 (VCV000458947.9), dbSNP rs1553887714, ClinGen allele CA356897558.

ClinVar aggregate classification (germline): Uncertain significance (1 of 4 stars; one submission).

Conditions:
Gastrointestinal stromal tumor. Also called: Gastrointestinal stroma tumor; Gastrointestinal stromal tumor, somatic. Identifiers: Orphanet 44890, MedGen C0238198, MeSH D046152, MONDO:0011719, OMIM 606764, HP:0100723.

Submission:

Labcorp Genetics (formerly Invitae), Labcorp
Classification: Uncertain significance for Gastrointestinal stromal tumor. Last evaluated: 2017-06-28. Review status: criteria provided, single submitter. Criteria: Invitae Variant Classification Sherloc (09022015). Collection method: clinical testing. Allele origin: germline.
Comment: Algorithms developed to predict the effect of missense changes on protein structure and function do not agree on the potential impact of this missense change (SIFT: "Tolerated"; PolyPhen-2: "Benign"; Align-GVGD: "Class C15"). This variant has not been reported in the literature in individuals with KIT-related disease. This variant is not present in population databases (ExAC no frequency). This sequence change replaces glutamic acid with alanine at codon 142 of the KIT protein (p.Glu142Ala). The glutamic acid residue is moderately conserved and there is a moderate physicochemical difference between glutamic acid and alanine. In summary, the available evidence is currently insufficient to determine the role of this variant in disease. Therefore, it has been classified as a Variant of Uncertain Significance.